The following is an entry in ClinVar:

ClinVar aggregate classification (germline): Likely pathogenic (1 of 4 stars; one submission).

Conditions:
X-linked Alport syndrome (ATS1). Also called: NEPHROPATHY AND DEAFNESS, X-LINKED; COL4A5-Related Nephropathy. Identifiers: Orphanet 63, Orphanet 88917, MedGen C4746986, MONDO:0010520, OMIM 301050.

Submission:

OLLIN Analises Genomicas, OLLIN
Classification: Likely pathogenic for X-linked Alport syndrome. Last evaluated: 2025-07-01. Review status: criteria provided, single submitter. Criteria: ACMG Guidelines 2015 PMID 25741868. Collection method: clinical testing. Allele origin: germline. Affected: yes. Observed: 1 variant allele.
Comment: The missense variant (chrX:108681768G>A), located in exon 47 (of 53), is not reported in the gnomAD v4.1 non-UKB or ClinVar databases, nor was it found in the scientific literature. In silico analysis predicts that this variant has a deleterious effect, and there is another pathogenic variant reported in the same residue, but with a different consequence (ClinVar ID: VCV003597975.1 - c.4097G>A p.Gly1366Glu). According to the currently available evidence, this variant has been classified as likely pathogenic (PM2_P, PM5, PP2, PP3_S).

NM_033380.3(COL4A5):c.4096G>A (p.Gly1366Arg)

Gene: COL4A5 (collagen type IV alpha 5 chain; plus strand). Cytogenetic location: Xq22.3.
Variant type: single nucleotide variant.
Coding change: c.4096G>A on transcript NM_033380.3 (MANE Select); coding-DNA position 4096, G replaced by A.
Protein change: p.Gly1366Arg; replaces glycine 1366 with arginine.
Molecular consequence: missense variant.
Genome position (GRCh38, 1-based): chrX:108,681,768, G>A. VCF-style: chrX-108681768-G-A. GRCh37 (hg19) VCF-style: chrX-107924998-G-A.
Other names: c.4078G>A, p.Gly1360Arg (NM_000495.5); short protein forms G1360R, G1366R.
Identifiers: ClinVar variation 4814123 (VCV004814123.1).